The following is an entry in ClinVar:

ClinVar aggregate classification (germline): Conflicting classifications of pathogenicity. Review status: criteria provided, conflicting classifications (1 of 4 stars). 2 submissions from 2 submitters: Uncertain significance (1); Likely benign (1). Last evaluated 2025-04-13.

Conditions:
Inborn genetic diseases. Identifiers: MedGen C0950123, MeSH D030342.
Propionic acidemia (PROP). Also called: GLYCINEMIA, KETOTIC; HYPERGLYCINEMIA WITH KETOACIDOSIS AND LEUKOPENIA; KETOTIC HYPERGLYCINEMIA. Identifiers: Orphanet 35, MedGen C0268579, MONDO:0011628, OMIM 606054, HP:0003571.

Allele frequency attached by ClinVar (database versions not stated): gnomAD 0.00001; gnomAD exomes 0.00001 and 0.00004; TOPMed 0.00003; ExAC 0.00004.
gnomAD v4.1: 16 of 1,572,056 alleles (0.001%); highest among the groups gnomAD compares: Admixed American, 0.015%; no homozygotes.

Submissions (2):

Labcorp Genetics (formerly Invitae), Labcorp
Classification: Likely benign for Propionic acidemia. Last evaluated: 2025-04-13. Review status: criteria provided, single submitter. Criteria: Invitae Variant Classification Sherloc (09022015). Collection method: clinical testing. Allele origin: germline.

Ambry Genetics
Classification: Uncertain significance for Inborn genetic diseases. Last evaluated: 2021-06-30. Review status: criteria provided, single submitter. Criteria: Ambry Variant Classification Scheme 2023. Collection method: clinical testing. Allele origin: germline.
Comment: The c.1091-6T>C intronic alteration consists of a T to C substitution 6 nucleotides before exon 11 of the PCCB gene. In silico splice site analysis predicts that this alteration will not have any significant effect on splicing. Based on insufficient or conflicting evidence, the clinical significance of this alteration remains unclear.

NM_000532.5(PCCB):c.1091-6T>C

Gene: PCCB (propionyl-CoA carboxylase subunit beta; plus strand). Cytogenetic location: 3q22.3.
Variant type: single nucleotide variant.
Coding change: c.1091-6T>C on transcript NM_000532.5 (MANE Select); 6 bases into the intron before coding-DNA position 1091, T replaced by C.
Molecular consequence: intron variant.
Genome position (GRCh38, 1-based): chr3:136,326,797, T>C. VCF-style: chr3-136326797-T-C. GRCh37 (hg19) VCF-style: chr3-136045639-T-C.
Other names: c.1151-6T>C (NM_001178014.2); c.1091-6T>C (NM_000532.4).
Identifiers: ClinVar variation 1147524 (VCV001147524.10), dbSNP rs778146041, ClinGen allele CA2632019.